The following is an entry in ClinVar:

NM_000426.4(LAMA2):c.8587G>A (p.Val2863Ile)

Gene: LAMA2 (laminin subunit alpha 2; plus strand). Cytogenetic location: 6q22.33.
Variant type: single nucleotide variant.
Coding change: c.8587G>A on transcript NM_000426.4 (MANE Select); coding-DNA position 8587, G replaced by A.
Protein change: p.Val2863Ile; replaces valine 2863 with isoleucine.
Molecular consequence: missense variant.
Genome position (GRCh38, 1-based): chr6:129,505,239, G>A. VCF-style: chr6-129505239-G-A. GRCh37 (hg19) VCF-style: chr6-129826384-G-A.
Other names: c.8575G>A, p.Val2859Ile (NM_001079823.2); short protein forms V2863I, V2859I.
Identifiers: ClinVar variation 653686 (VCV000653686.11), dbSNP rs1583919763, ClinGen allele CA365634796.

ClinVar aggregate classification (germline): Uncertain significance (1 of 4 stars; one submission).

Conditions:
LAMA2-related muscular dystrophy (LAMA2-RD). Also called: Laminin alpha 2-related dystrophy. Identifiers: MedGen C5679788, MONDO:0100228.

Submission:

Labcorp Genetics (formerly Invitae), Labcorp
Classification: Uncertain significance for LAMA2-related muscular dystrophy. Last evaluated: 2019-03-14. Review status: criteria provided, single submitter. Criteria: Invitae Variant Classification Sherloc (09022015). Collection method: clinical testing. Allele origin: germline.
Comment: This sequence change replaces valine with isoleucine at codon 2863 of the LAMA2 protein (p.Val2863Ile). The valine residue is highly conserved and there is a small physicochemical difference between valine and isoleucine. This variant is not present in population databases (ExAC no frequency). This variant has not been reported in the literature in individuals with LAMA2-related disease. Algorithms developed to predict the effect of missense changes on protein structure and function are either unavailable or do not agree on the potential impact of this missense change (SIFT: "Tolerated"; PolyPhen-2: "Possibly Damaging"; Align-GVGD: "Class C0"). In summary, the available evidence is currently insufficient to determine the role of this variant in disease. Therefore, it has been classified as a Variant of Uncertain Significance.